The following is an entry in ClinVar:

ClinVar aggregate classification (germline): Uncertain significance. Review status: criteria provided, multiple submitters, no conflicts (2 of 4 stars). 2 submissions from 2 submitters: Uncertain significance (2). Last evaluated 2026-03-14.

Conditions:
PLXNA2-related disorder. Also called: PLXNA2-related condition.

Allele frequency attached by ClinVar (database versions not stated): gnomAD exomes 0.00003; ExAC 0.00004; ESP Exome Variant Server 0.00015.
gnomAD v4.1: 52 of 1,613,852 alleles (0.0032%); highest among the groups gnomAD compares: Admixed American, 0.017%; no homozygotes.

Submissions (2):

PreventionGenetics, part of Exact Sciences
Classification: Uncertain significance for PLXNA2-related condition. Last evaluated: 2026-03-14. Review status: criteria provided, single submitter. Criteria: ACMG Guidelines, 2015. Collection method: clinical testing. Allele origin: germline.
Comment: The PLXNA2 c.2705C>T variant is predicted to result in the amino acid substitution p.Thr902Met. To our knowledge, this variant has not been reported in the literature. This variant is reported in 0.0065% of alleles in individuals of South Asian descent in gnomAD. At this time, the clinical significance of this variant is uncertain due to the absence of conclusive functional and genetic evidence.

Labcorp Genetics (formerly Invitae), Labcorp
Classification: Uncertain significance. Last evaluated: 2023-08-10. Review status: criteria provided, single submitter. Criteria: Invitae Variant Classification Sherloc (09022015). Collection method: clinical testing. Allele origin: germline.
Comment: Advanced modeling of protein sequence and biophysical properties (such as structural, functional, and spatial information, amino acid conservation, physicochemical variation, residue mobility, and thermodynamic stability) performed at Invitae indicates that this missense variant is not expected to disrupt PLXNA2 protein function. In summary, the available evidence is currently insufficient to determine the role of this variant in disease. Therefore, it has been classified as a Variant of Uncertain Significance. ClinVar contains an entry for this variant (Variation ID: 1414113). This variant has not been reported in the literature in individuals affected with PLXNA2-related conditions. This variant is present in population databases (rs147652560, gnomAD 0.007%). This sequence change replaces threonine, which is neutral and polar, with methionine, which is neutral and non-polar, at codon 902 of the PLXNA2 protein (p.Thr902Met).

NM_025179.4(PLXNA2):c.2705C>T (p.Thr902Met)

Gene: PLXNA2 (plexin A2; minus strand). Cytogenetic location: 1q32.2.
Variant type: single nucleotide variant.
Coding change: c.2705C>T on transcript NM_025179.4 (MANE Select); coding-DNA position 2705, C replaced by T.
Protein change: p.Thr902Met; replaces threonine 902 with methionine.
Molecular consequence: missense variant.
Genome position (GRCh38, 1-based): chr1:208,060,719, G>A on the plus strand (C>T on the coding strand, the complement: PLXNA2 is on the minus strand). VCF-style: chr1-208060719-G-A. GRCh37 (hg19) VCF-style: chr1-208234064-G-A.
Other names: c.2705C>T (NM_025179.3); short protein forms T902M.
Identifiers: ClinVar variation 1414113 (VCV001414113.10), dbSNP rs147652560, ClinGen allele CA1373435.